The following is an entry in ClinVar:

ClinVar aggregate classification (germline): Pathogenic/Likely pathogenic. Review status: criteria provided, multiple submitters, no conflicts (2 of 4 stars). 2 submissions from 2 submitters: Pathogenic (1); Likely pathogenic (1). Last evaluated 2024-11-11.

Conditions:
Achromatopsia 3 (ACHM3). Also called: TOTAL COLORBLINDNESS WITH MYOPIA; ROD MONOCHROMACY 1; ROD MONOCHROMATISM 1; PINGELAPESE BLINDNESS; ACHROMATOPSIA WITH MYOPIA. Identifiers: Orphanet 49382, MedGen C1849792, MONDO:0009875, OMIM 262300.

Submissions (2):

Labcorp Genetics (formerly Invitae), Labcorp
Classification: Pathogenic. Last evaluated: 2024-11-11. Review status: criteria provided, single submitter. Criteria: Invitae Variant Classification Sherloc (09022015). Collection method: clinical testing. Allele origin: germline.
Comment: This sequence change affects a donor splice site in intron 6 of the CNGB3 gene. It is expected to disrupt RNA splicing. Variants that disrupt the donor or acceptor splice site typically lead to a loss of protein function (PMID: 16199547), and loss-of-function variants in CNGB3 are known to be pathogenic (PMID: 28795510). This variant is not present in population databases (gnomAD no frequency). Disruption of this splice site has been observed in individual(s) with achromatopsia (PMID: 28795510). In at least one individual the data is consistent with being in trans (on the opposite chromosome) from a pathogenic variant. ClinVar contains an entry for this variant (Variation ID: 802416). Algorithms developed to predict the effect of sequence changes on RNA splicing suggest that this variant may disrupt the consensus splice site. For these reasons, this variant has been classified as Pathogenic.

Mendelics
Classification: Likely pathogenic for Achromatopsia 3. Last evaluated: 2019-05-28. Review status: criteria provided, single submitter. Criteria: Mendelics Assertion Criteria 2017. Collection method: clinical testing. Allele origin: unknown.

Literature cited by the submitters: PubMed 16199547 (cited by Labcorp Genetics (formerly Invitae), Labcorp); PubMed 28795510 (cited by Labcorp Genetics (formerly Invitae), Labcorp).

NM_019098.5(CNGB3):c.852+1G>T

Gene: CNGB3 (cyclic nucleotide gated channel subunit beta 3; minus strand). Cytogenetic location: 8q21.3.
Variant type: single nucleotide variant.
Coding change: c.852+1G>T on transcript NM_019098.5 (MANE Select); the canonical splice donor site of the intron after coding-DNA position 852, G replaced by T.
Molecular consequence: splice donor variant.
Genome position (GRCh38, 1-based): chr8:86,666,924, C>A on the plus strand (G>T on the coding strand, the complement: CNGB3 is on the minus strand). VCF-style: chr8-86666924-C-A. GRCh37 (hg19) VCF-style: chr8-87679152-C-A.
Identifiers: ClinVar variation 802416 (VCV000802416.9), dbSNP rs1201521544, ClinGen allele CA371449236.
Genomic context (GRCh38, chr8:86,666,924, plus strand): 5'-TTTGTAGCCCAATTAGATGTTATTCACGTTTCAGTTTCTGCCTTTCCCGAACCCCACTTA[C>A]TATTATGTCTCCTCCTCTTACAAACTGGAGTCTGGGCTGGATAAATAGCATATCATAAAG-3'